The following is an entry in ClinVar:

NM_152564.5(VPS13B):c.8994+6A>G

Gene: VPS13B (vacuolar protein sorting 13 homolog B; plus strand). Cytogenetic location: 8q22.2.
Variant type: single nucleotide variant.
Coding change: c.8994+6A>G on transcript NM_152564.5 (MANE Select); 6 bases into the intron after coding-DNA position 8994, A replaced by G.
Molecular consequence: intron variant.
Genome position (GRCh38, 1-based): chr8:99,820,128, A>G. VCF-style: chr8-99820128-A-G. GRCh37 (hg19) VCF-style: chr8-100832356-A-G.
Other names: c.9069+6A>G (NM_017890.5).
Identifiers: ClinVar variation 1386279 (VCV001386279.6), dbSNP rs2130817893, ClinGen allele CA2573143492.

ClinVar aggregate classification (germline): Uncertain significance (1 of 4 stars; one submission).

Conditions:
Cohen syndrome (COH1). Also called: Cutis verticis gyrata, retinitis pigmentosa, and sensorineural deafness; PEPPER SYNDROME. Identifiers: Orphanet 193, MedGen C0265223, MONDO:0008999, OMIM 216550.

Allele frequency attached by ClinVar (database versions not stated): gnomAD exomes below 0.00001.
gnomAD v4.1: 1 of 1,613,062 alleles (0.000062%); highest among the groups gnomAD compares: Non-Finnish European, 0.000085%; no homozygotes.

Submission:

Labcorp Genetics (formerly Invitae), Labcorp
Classification: Uncertain significance for Cohen syndrome. Last evaluated: 2022-08-21. Review status: criteria provided, single submitter. Criteria: Invitae Variant Classification Sherloc (09022015). Collection method: clinical testing. Allele origin: germline.
Comment: This sequence change falls in intron 49 of the VPS13B gene. It does not directly change the encoded amino acid sequence of the VPS13B protein. It affects a nucleotide within the consensus splice site. This variant is not present in population databases (gnomAD no frequency). This variant has not been reported in the literature in individuals affected with VPS13B-related conditions. ClinVar contains an entry for this variant (Variation ID: 1386279). Variants that disrupt the consensus splice site are a relatively common cause of aberrant splicing (PMID: 17576681, 9536098). Algorithms developed to predict the effect of sequence changes on RNA splicing suggest that this variant is not likely to affect RNA splicing. In summary, the available evidence is currently insufficient to determine the role of this variant in disease. Therefore, it has been classified as a Variant of Uncertain Significance.

Literature cited by the submitters: PubMed 17576681; PubMed 9536098.